The following is an entry in ClinVar:

NM_003846.3(PEX11B):c.497G>A (p.Gly166Glu)

Gene: PEX11B (peroxisomal biogenesis factor 11 beta; minus strand). Cytogenetic location: 1q21.1.
Variant type: single nucleotide variant.
Coding change: c.497G>A on transcript NM_003846.3 (MANE Select); coding-DNA position 497, G replaced by A.
Protein change: p.Gly166Glu; replaces glycine 166 with glutamic acid.
Molecular consequence: missense variant. On other transcripts: non-coding transcript variant (3).
Genome position (GRCh38, 1-based): chr1:145,912,444, C>T on the plus strand (G>A on the coding strand, the complement: PEX11B is on the minus strand). VCF-style: chr1-145912444-C-T. GRCh37 (hg19) VCF-style: chr1-145522636-G-A.
Other names: c.455G>A, p.Gly152Glu (NM_001184795.1); short protein forms G166E, G152E.
Identifiers: ClinVar variation 2013549 (VCV002013549.4), dbSNP rs1553753288, ClinGen allele CA342121288.

ClinVar aggregate classification (germline): Uncertain significance (1 of 4 stars; one submission).

Submission:

Labcorp Genetics (formerly Invitae), Labcorp
Classification: Uncertain significance. Last evaluated: 2022-07-03. Review status: criteria provided, single submitter. Criteria: Invitae Variant Classification Sherloc (09022015). Collection method: clinical testing. Allele origin: germline.
Comment: In summary, the available evidence is currently insufficient to determine the role of this variant in disease. Therefore, it has been classified as a Variant of Uncertain Significance. Algorithms developed to predict the effect of missense changes on protein structure and function output the following: SIFT: "Deleterious"; PolyPhen-2: "Benign"; Align-GVGD: "Class C0". The glutamic acid amino acid residue is found in multiple mammalian species, which suggests that this missense change does not adversely affect protein function. This variant has not been reported in the literature in individuals affected with PEX11B-related conditions. This variant is not present in population databases (gnomAD no frequency). This sequence change replaces glycine, which is neutral and non-polar, with glutamic acid, which is acidic and polar, at codon 166 of the PEX11B protein (p.Gly166Glu).